The following is an entry in ClinVar:

ClinVar aggregate classification (germline): Likely benign. Review status: criteria provided, multiple submitters, no conflicts (2 of 4 stars). 2 submissions from 2 submitters: Likely benign (2). Last evaluated 2025-11-23.

Conditions:
Charcot-Marie-Tooth disease type 4. Also called: Charcot-Marie-Tooth, Type 4; Charcot-Marie-Tooth disease, type IV. Identifiers: Orphanet 64749, MedGen C4082197, MONDO:0018995.

Allele frequency attached by ClinVar (database versions not stated): TOPMed below 0.00001; gnomAD 0.00001.
gnomAD v4.1: 4 of 1,390,020 alleles (0.00029%); highest among the groups gnomAD compares: Non-Finnish European, 0.00028%; no homozygotes.

Submissions (2):

Labcorp Genetics (formerly Invitae), Labcorp
Classification: Likely benign for Charcot-Marie-Tooth disease type 4. Last evaluated: 2025-11-23. Review status: criteria provided, single submitter. Criteria: Invitae Variant Classification Sherloc (09022015). Collection method: clinical testing. Allele origin: germline.

Mayo Clinic Laboratories, Mayo Clinic
Classification: Likely benign. Last evaluated: 2025-10-14. Review status: criteria provided, single submitter. Criteria: ACMG Guidelines, 2015. Collection method: clinical testing. Allele origin: germline. Observed: 1 variant allele.
Comment: BP4, BP7

NM_030962.4(SBF2):c.55+9G>T

Genes: SBF2 (SET binding factor 2; minus strand), LOC130005303 (ATAC-STARR-seq lymphoblastoid silent region 3141; plus strand). Cytogenetic location: 11p15.4.
Variant type: single nucleotide variant.
Coding change: c.55+9G>T on transcript NM_030962.4 (MANE Select); 9 bases into the intron after coding-DNA position 55, G replaced by T.
Molecular consequence: intron variant.
Genome position (GRCh38, 1-based): chr11:10,294,006, C>A on the plus strand (G>T on the coding strand, the complement: SBF2 is on the minus strand). VCF-style: chr11-10294006-C-A. GRCh37 (hg19) VCF-style: chr11-10315553-C-A.
Other names: p.?; c.55+9G>T (NM_001386342.1, NM_001386339.1, NM_030962.3).
Identifiers: ClinVar variation 1125503 (VCV001125503.10), dbSNP rs1449265617, ClinGen allele CA670870090.